The following is an entry in ClinVar:

NM_006206.6(PDGFRA):c.1043C>G (p.Ser348Cys)

Gene: PDGFRA (platelet derived growth factor receptor alpha; plus strand). Cytogenetic location: 4q12.
Variant type: single nucleotide variant.
Coding change: c.1043C>G on transcript NM_006206.6 (MANE Select); coding-DNA position 1043, C replaced by G.
Protein change: p.Ser348Cys; replaces serine 348 with cysteine.
Molecular consequence: missense variant.
Genome position (GRCh38, 1-based): chr4:54,267,663, C>G. VCF-style: chr4-54267663-C-G. GRCh37 (hg19) VCF-style: chr4-55133830-C-G.
Other names: c.1043C>G, p.Ser348Cys (NM_001347827.2, NM_001347829.2); c.1118C>G, p.Ser373Cys (NM_001347828.2); c.1082C>G, p.Ser361Cys (NM_001347830.2); short protein forms S361C, S373C, S348C.
Identifiers: ClinVar variation 2133365 (VCV002133365.4), dbSNP rs2110267268, ClinGen allele CA356891671.

ClinVar aggregate classification (germline): Uncertain significance (1 of 4 stars; one submission).

Conditions:
Gastrointestinal stromal tumor. Also called: Gastrointestinal stroma tumor; Gastrointestinal stromal tumor, somatic. Identifiers: Orphanet 44890, MedGen C0238198, MeSH D046152, MONDO:0011719, OMIM 606764, HP:0100723.

gnomAD v4.1: 3 of 1,614,104 alleles (0.00019%); highest among the groups gnomAD compares: South Asian, 0.0022%; no homozygotes.

Submission:

Labcorp Genetics (formerly Invitae), Labcorp
Classification: Uncertain significance for Gastrointestinal stromal tumor. Last evaluated: 2022-09-20. Review status: criteria provided, single submitter. Criteria: Invitae Variant Classification Sherloc (09022015). Collection method: clinical testing. Allele origin: germline.
Comment: In summary, the available evidence is currently insufficient to determine the role of this variant in disease. Therefore, it has been classified as a Variant of Uncertain Significance. Advanced modeling of protein sequence and biophysical properties (such as structural, functional, and spatial information, amino acid conservation, physicochemical variation, residue mobility, and thermodynamic stability) performed at Invitae indicates that this missense variant is not expected to disrupt PDGFRA protein function. This sequence change replaces serine, which is neutral and polar, with cysteine, which is neutral and slightly polar, at codon 348 of the PDGFRA protein (p.Ser348Cys). This variant is not present in population databases (gnomAD no frequency). This variant has not been reported in the literature in individuals affected with PDGFRA-related conditions.